The following is an entry in ClinVar:

ClinVar aggregate classification (germline): Pathogenic (1 of 4 stars; one submission).

Allele frequency attached by ClinVar (database versions not stated): gnomAD exomes below 0.00001.
gnomAD v4.1: 1 of 1,590,796 alleles (0.000063%); highest among the groups gnomAD compares: Non-Finnish European, 0.000085%; no homozygotes.

Submission:

Labcorp Genetics (formerly Invitae), Labcorp
Classification: Pathogenic. Last evaluated: 2022-07-06. Review status: criteria provided, single submitter. Criteria: Invitae Variant Classification Sherloc (09022015). Collection method: clinical testing. Allele origin: germline.
Comment: For these reasons, this variant has been classified as Pathogenic. This variant is not present in population databases (gnomAD no frequency). This variant has not been reported in the literature in individuals affected with PIK3C2A-related conditions. This sequence change creates a premature translational stop signal (p.Gln3*) in the PIK3C2A gene. It is expected to result in an absent or disrupted protein product. Loss-of-function variants in PIK3C2A are known to be pathogenic (PMID: 31034465).

Literature cited by the submitters: PubMed 31034465.

NM_002645.4(PIK3C2A):c.7C>T (p.Gln3Ter)

Gene: PIK3C2A (phosphatidylinositol-4-phosphate 3-kinase catalytic subunit type 2 alpha; minus strand). Cytogenetic location: 11p15.1.
Variant type: single nucleotide variant.
Coding change: c.7C>T on transcript NM_002645.4 (MANE Select); coding-DNA position 7, C replaced by T.
Protein change: p.Gln3Ter; replaces glutamine 3 with a stop codon.
Molecular consequence: nonsense. On other transcripts: intron variant (1).
Genome position (GRCh38, 1-based): chr11:17,169,735, G>A on the plus strand (C>T on the coding strand, the complement: PIK3C2A is on the minus strand). VCF-style: chr11-17169735-G-A. GRCh37 (hg19) VCF-style: chr11-17191282-G-A.
Other names: c.7C>T, p.Gln3Ter (NM_001321378.2, NM_001386870.1); c.-75-14106C>T (NM_001321380.2); short protein forms Q3*.
Identifiers: ClinVar variation 2014722 (VCV002014722.4), dbSNP rs2494271432, ClinGen allele CA379779307.